The following is an entry in ClinVar:

NM_152305.3(POGLUT1):c.227T>C (p.Met76Thr)

Gene: POGLUT1 (protein O-glucosyltransferase 1; plus strand). Cytogenetic location: 3q13.33.
Variant type: single nucleotide variant.
Coding change: c.227T>C on transcript NM_152305.3 (MANE Select); coding-DNA position 227, T replaced by C.
Protein change: p.Met76Thr; replaces methionine 76 with threonine.
Molecular consequence: missense variant. On other transcripts: non-coding transcript variant (1).
Genome position (GRCh38, 1-based): chr3:119,471,359, T>C. VCF-style: chr3-119471359-T-C. GRCh37 (hg19) VCF-style: chr3-119190206-T-C.
Other names: c.227T>C, p.Met76Thr (NM_020231.3); short protein forms M76T.
Identifiers: ClinVar variation 3022680 (VCV003022680.3), dbSNP rs771885260, ClinGen allele CA2554784.

ClinVar aggregate classification (germline): Uncertain significance (1 of 4 stars; one submission).

Allele frequency attached by ClinVar (database versions not stated): gnomAD exomes 0.00001; TOPMed 0.00001; gnomAD 0.00001; ExAC 0.00003.
gnomAD v4.1: 20 of 1,613,912 alleles (0.0012%); highest among the groups gnomAD compares: East Asian, 0.04%; no homozygotes.

Submission:

Labcorp Genetics (formerly Invitae), Labcorp
Classification: Uncertain significance. Last evaluated: 2025-02-27. Review status: criteria provided, single submitter. Criteria: Invitae Variant Classification Sherloc (09022015). Collection method: clinical testing. Allele origin: germline.
Comment: This sequence change replaces methionine, which is neutral and non-polar, with threonine, which is neutral and polar, at codon 76 of the POGLUT1 protein (p.Met76Thr). This variant is present in population databases (rs771885260, gnomAD 0.05%). This variant has not been reported in the literature in individuals affected with POGLUT1-related conditions. ClinVar contains an entry for this variant (Variation ID: 3022680). Invitae Evidence Modeling of protein sequence and biophysical properties (such as structural, functional, and spatial information, amino acid conservation, physicochemical variation, residue mobility, and thermodynamic stability) indicates that this missense variant is not expected to disrupt POGLUT1 protein function with a negative predictive value of 80%. In summary, the available evidence is currently insufficient to determine the role of this variant in disease. Therefore, it has been classified as a Variant of Uncertain Significance.